The following is an entry in ClinVar:

NM_018896.5(CACNA1G):c.6929G>A (p.Ser2310Asn)

Gene: CACNA1G (calcium voltage-gated channel subunit alpha1 G; plus strand). Cytogenetic location: 17q21.33.
Variant type: single nucleotide variant.
Coding change: c.6929G>A on transcript NM_018896.5 (MANE Select); coding-DNA position 6929, G replaced by A.
Protein change: p.Ser2310Asn; replaces serine 2310 with asparagine.
Molecular consequence: missense variant. On other transcripts: non-coding transcript variant (5).
Genome position (GRCh38, 1-based): chr17:50,626,546, G>A. VCF-style: chr17-50626546-G-A. GRCh37 (hg19) VCF-style: chr17-48703907-G-A.
Other names: c.6740G>A, p.Ser2247Asn (NM_001256324.2); c.6671G>A, p.Ser2224Asn (NM_001256325.2); c.6659G>A, p.Ser2220Asn (NM_001256326.2); c.6629G>A, p.Ser2210Asn (NM_001256327.2); c.6575G>A, p.Ser2192Asn (NM_001256328.2); c.6548G>A, p.Ser2183Asn (NM_001256329.2, NM_198387.3); c.6515G>A, p.Ser2172Asn (NM_001256330.2); c.6494G>A, p.Ser2165Asn (NM_001256331.2); and 19 more; short protein forms S2104N, S2127N, S2138N, S2160N, S2165N, S2172N, S2176N, S2179N.
Identifiers: ClinVar variation 2647935 (VCV002647935.25), dbSNP rs2053844816, ClinGen allele CA400239910.

ClinVar aggregate classification (germline): Uncertain significance. Review status: criteria provided, multiple submitters, no conflicts (2 of 4 stars). 2 submissions from 2 submitters: Uncertain significance (2). Last evaluated 2024-10-31.

Allele frequency attached by ClinVar (database versions not stated): gnomAD exomes below 0.00001; TOPMed below 0.00001.
gnomAD v4.1: 2 of 1,580,482 alleles (0.00013%); highest among the groups gnomAD compares: Non-Finnish European, 0.00017%; no homozygotes.

Submissions (2):

GeneDx
Classification: Uncertain significance. Last evaluated: 2024-10-31. Review status: criteria provided, single submitter. Criteria: GeneDx Variant Classification Process June 2021. Collection method: clinical testing. Allele origin: germline. Affected: yes.
Comment: Not observed at significant frequency in large population cohorts (gnomAD); In silico analysis indicates that this missense variant does not alter protein structure/function; Has not been previously published as pathogenic or benign to our knowledge

CeGaT Center for Human Genetics Tuebingen
Classification: Uncertain significance. Last evaluated: 2023-02-01. Review status: criteria provided, single submitter. Criteria: CeGaT Center For Human Genetics Tuebingen Variant Classification Criteria Version 2. Collection method: clinical testing. Allele origin: germline. Affected: yes. Observed: 1 variant allele.
Comment: CACNA1G: PM2